The following is an entry in ClinVar:

ClinVar aggregate classification (germline): Pathogenic (1 of 4 stars; one submission).

Conditions:
Bardet-Biedl syndrome (BBS). Identifiers: Orphanet 110, MedGen C0752166, MONDO:0015229.

Submission:

Labcorp Genetics (formerly Invitae), Labcorp
Classification: Pathogenic for Bardet-Biedl syndrome. Last evaluated: 2025-03-17. Review status: criteria provided, single submitter. Criteria: Invitae Variant Classification Sherloc (09022015). Collection method: clinical testing. Allele origin: germline.
Comment: This sequence change creates a premature translational stop signal (p.Arg260Serfs*15) in the BBS4 gene. It is expected to result in an absent or disrupted protein product. Loss-of-function variants in BBS4 are known to be pathogenic (PMID: 11381270, 12016587, 20177705, 26355662, 27894351). This variant is not present in population databases (gnomAD no frequency). This variant has not been reported in the literature in individuals affected with BBS4-related conditions. For these reasons, this variant has been classified as Pathogenic.

Literature cited by the submitters: PubMed 11381270; PubMed 12016587; PubMed 20177705; PubMed 26355662; PubMed 27894351.

NM_033028.5(BBS4):c.780_781del (p.Arg260fs)

Gene: BBS4 (Bardet-Biedl syndrome 4; plus strand). Cytogenetic location: 15q24.1.
Variant type: Microsatellite.
Coding change: c.780_781del on transcript NM_033028.5 (MANE Select); coding-DNA positions 780 to 781, 2 bases deleted (AG; older notation c.780_781delAG).
Protein change: p.Arg260fs; shifts the reading frame from arginine 260.
Molecular consequence: frameshift variant. On other transcripts: non-coding transcript variant (2).
Genome position (GRCh38, 1-based): chr15:72,731,373-72,731,374, AG deleted; deleting any 2 consecutive bases within chr15:72,731,371-72,731,374 gives the same sequence; the c. name uses the placement nearest the transcript's 3' end. VCF-style (leftmost placement, unchanged base first): chr15-72731370-CAG-C. GRCh37 (hg19) VCF-style: chr15-73023711-CAG-C.
Other names: c.264_265del, p.Arg88fs (NM_001252678.2); c.711_712del, p.Arg237fs (NM_001320665.2); short protein forms R237fs, R260fs, R88fs.
Identifiers: ClinVar variation 2177606 (VCV002177606.4), dbSNP rs2542996984, ClinGen allele CA2580613871.
Genomic context (GRCh38, chr15:72,731,370, plus strand): 5'-CTTGGCAGCAGGCAGCATGATGCAGACCCACGGGGACTTTGATGTTGCCCTCACCAAATA[CAG>C]AGTTGTGGCTTGTGCTGTTCCAGAAAGTCCTCCACTCTGGAATAACATTGGAATGTGTTT-3'